The following is an entry in ClinVar:

ClinVar aggregate classification (germline): Uncertain significance. Review status: criteria provided, multiple submitters, no conflicts (2 of 4 stars). 2 submissions from 2 submitters: Uncertain significance (2). Last evaluated 2023-08-04.

Conditions:
Inborn genetic diseases. Identifiers: MedGen C0950123, MeSH D030342.

Allele frequency attached by ClinVar (database versions not stated): ExAC 0.00001; gnomAD exomes 0.00001; TOPMed 0.00002.
gnomAD v4.1: 4 of 1,501,208 alleles (0.00027%); highest among the groups gnomAD compares: Admixed American, 0.007%; no homozygotes.

Submissions (2):

Labcorp Genetics (formerly Invitae), Labcorp
Classification: Uncertain significance. Last evaluated: 2023-08-04. Review status: criteria provided, single submitter. Criteria: Invitae Variant Classification Sherloc (09022015). Collection method: clinical testing. Allele origin: germline.
Comment: In summary, the available evidence is currently insufficient to determine the role of this variant in disease. Therefore, it has been classified as a Variant of Uncertain Significance. Advanced modeling of protein sequence and biophysical properties (such as structural, functional, and spatial information, amino acid conservation, physicochemical variation, residue mobility, and thermodynamic stability) performed at Invitae indicates that this missense variant is expected to disrupt TAF2 protein function. ClinVar contains an entry for this variant (Variation ID: 2148588). This variant has not been reported in the literature in individuals affected with TAF2-related conditions. This variant is present in population databases (rs760600645, gnomAD 0.006%). This sequence change replaces asparagine, which is neutral and polar, with threonine, which is neutral and polar, at codon 787 of the TAF2 protein (p.Asn787Thr).

Ambry Genetics
Classification: Uncertain significance for Inborn genetic diseases. Last evaluated: 2022-05-18. Review status: criteria provided, single submitter. Criteria: Ambry Variant Classification Scheme 2023. Collection method: clinical testing. Allele origin: germline.

NM_003184.4(TAF2):c.2360A>C (p.Asn787Thr)

Gene: TAF2 (TATA-box binding protein associated factor 2; minus strand). Cytogenetic location: 8q24.12.
Variant type: single nucleotide variant.
Coding change: c.2360A>C on transcript NM_003184.4 (MANE Select); coding-DNA position 2360, A replaced by C.
Protein change: p.Asn787Thr; replaces asparagine 787 with threonine.
Molecular consequence: missense variant.
Genome position (GRCh38, 1-based): chr8:119,778,023, T>G on the plus strand (A>C on the coding strand, the complement: TAF2 is on the minus strand). VCF-style: chr8-119778023-T-G. GRCh37 (hg19) VCF-style: chr8-120790263-T-G.
Other names: c.2360A>C (NM_003184.3); short protein forms N787T.
Identifiers: ClinVar variation 2148588 (VCV002148588.5), dbSNP rs760600645, ClinGen allele CA4857097.